The following is an entry in ClinVar:

ClinVar aggregate classification (germline): Uncertain significance (1 of 4 stars; one submission).

Conditions:
Combined immunodeficiency due to STIM1 deficiency. Also called: STIM1 DEFICIENCY; IMMUNODEFICIENCY 10. Identifiers: Orphanet 169090, Orphanet 317430, MedGen C2748557, MONDO:0013008, OMIM 612783.
Stormorken syndrome (STRMK). Also called: THROMBOCYTOPATHY, ASPLENIA, AND MIOSIS. Identifiers: Orphanet 3204, MedGen C1861451, MONDO:0008497, OMIM 185070.
Myopathy with tubular aggregates (TAM). Also called: Tubular Aggregate Myopathy. Identifiers: Orphanet 2593, MedGen C0410207, MONDO:0008051.

Submission:

Labcorp Genetics (formerly Invitae), Labcorp
Classification: Uncertain significance for Myopathy with tubular aggregates; Combined immunodeficiency due to STIM1 deficiency; Stormorken syndrome. Last evaluated: 2022-10-24. Review status: criteria provided, single submitter. Criteria: Invitae Variant Classification Sherloc (09022015). Collection method: clinical testing. Allele origin: germline.
Comment: This sequence change replaces histidine, which is basic and polar, with arginine, which is basic and polar, at codon 395 of the STIM1 protein (p.His395Arg). This variant is not present in population databases (gnomAD no frequency). This variant has not been reported in the literature in individuals affected with STIM1-related conditions. ClinVar contains an entry for this variant (Variation ID: 574083). Advanced modeling of protein sequence and biophysical properties (such as structural, functional, and spatial information, amino acid conservation, physicochemical variation, residue mobility, and thermodynamic stability) has been performed at Invitae for this missense variant, however the output from this modeling did not meet the statistical confidence thresholds required to predict the impact of this variant on STIM1 protein function. In summary, the available evidence is currently insufficient to determine the role of this variant in disease. Therefore, it has been classified as a Variant of Uncertain Significance.

NM_001382567.1(STIM1):c.1184A>G (p.His395Arg)

Gene: STIM1 (stromal interaction molecule 1; plus strand). Cytogenetic location: 11p15.4.
Variant type: single nucleotide variant.
Coding change: c.1184A>G on transcript NM_001382567.1 (MANE Select); coding-DNA position 1184, A replaced by G.
Protein change: p.His395Arg; replaces histidine 395 with arginine.
Molecular consequence: missense variant. On other transcripts: non-coding transcript variant (2).
Genome position (GRCh38, 1-based): chr11:4,082,928, A>G. VCF-style: chr11-4082928-A-G. GRCh37 (hg19) VCF-style: chr11-4104158-A-G.
Other names: c.962A>G, p.His321Arg (NM_001382576.1, NM_001382577.1, NM_001382578.1 and 4 more transcripts); c.695A>G, p.His232Arg (NM_001382580.1, NM_001382581.1); c.1184A>G, p.His395Arg (NM_003156.4, NM_001277961.3, NM_001277962.2 and 1 more transcripts); c.1049A>G, p.His350Arg (NM_001382569.1); c.956A>G, p.His319Arg (NM_001382570.1); c.704A>G, p.His235Arg (NM_001382571.1); short protein forms H395R, H232R, H235R, H319R, H321R, H350R.
Identifiers: ClinVar variation 574083 (VCV000574083.10), dbSNP rs1565170778, ClinGen allele CA379193717.